The following is an entry in ClinVar:

ClinVar aggregate classification (germline): Likely pathogenic (1 of 4 stars; one submission).

Conditions:
Thrombophilia due to protein S deficiency, autosomal recessive (THPH6). Identifiers: Orphanet 743, MedGen C3281092, MONDO:0013791, OMIM 614514. Disease mechanism: loss of function.

Submission:

Labcorp Genetics (formerly Invitae), Labcorp
Classification: Likely pathogenic for Thrombophilia due to protein S deficiency, autosomal recessive. Last evaluated: 2025-08-26. Review status: criteria provided, single submitter. Criteria: Invitae Variant Classification Sherloc (09022015). Collection method: clinical testing. Allele origin: germline.
Comment: This sequence change affects a donor splice site in intron 8 of the PROS1 gene. It is expected to disrupt RNA splicing. Variants that disrupt the donor or acceptor splice site typically lead to a loss of protein function (PMID: 16199547), and loss-of-function variants in PROS1 are known to be pathogenic (PMID: 9241758). This variant is not present in population databases (gnomAD no frequency). This variant has not been reported in the literature in individuals affected with PROS1-related conditions. Algorithms developed to predict the effect of sequence changes on RNA splicing suggest that this variant may disrupt the consensus splice site. In summary, the currently available evidence indicates that the variant is pathogenic, but additional data are needed to prove that conclusively. Therefore, this variant has been classified as Likely Pathogenic.

Literature cited by the submitters: PubMed 16199547; PubMed 9241758.

NM_000313.4(PROS1):c.849+2T>C

Gene: PROS1 (protein S; minus strand). Cytogenetic location: 3q11.1.
Variant type: single nucleotide variant.
Coding change: c.849+2T>C on transcript NM_000313.4 (MANE Select); the canonical splice donor site of the intron after coding-DNA position 849, T replaced by C.
Molecular consequence: splice donor variant.
Genome position (GRCh38, 1-based): chr3:93,898,446, A>G on the plus strand (T>C on the coding strand, the complement: PROS1 is on the minus strand). VCF-style: chr3-93898446-A-G. GRCh37 (hg19) VCF-style: chr3-93617290-A-G.
Other names: c.945+2T>C (NM_001314077.2).
Identifiers: ClinVar variation 4726125 (VCV004726125.1).